The following is an entry in ClinVar:

NM_001195.5(BFSP1):c.202C>T (p.Leu68Phe)

Gene: BFSP1 (beaded filament structural protein 1; minus strand). Cytogenetic location: 20p12.1.
Variant type: single nucleotide variant.
Coding change: c.202C>T on transcript NM_001195.5 (MANE Select); coding-DNA position 202, C replaced by T.
Protein change: p.Leu68Phe; replaces leucine 68 with phenylalanine.
Molecular consequence: missense variant. On other transcripts: intron variant (4).
Genome position (GRCh38, 1-based): chr20:17,531,128, G>A on the plus strand (C>T on the coding strand, the complement: BFSP1 is on the minus strand). VCF-style: chr20-17531128-G-A. GRCh37 (hg19) VCF-style: chr20-17511773-G-A.
Other names: c.-40-6220C>T (NM_001278608.2, NM_001278606.2); c.45-6220C>T (NM_001278607.2); c.3-6220C>T (NM_001161705.2); c.202C>T (NM_001195.4); short protein forms L68F.
Identifiers: ClinVar variation 2457289 (VCV002457289.8), dbSNP rs895975320, ClinGen allele CA312243967.

ClinVar aggregate classification (germline): Uncertain significance. Review status: criteria provided, multiple submitters, no conflicts (2 of 4 stars). 4 submissions from 4 submitters: Uncertain significance (3). 1 of the submissions does not count toward it. Last evaluated 2025-04-13.

Conditions:
BFSP1-related disorder. Also called: BFSP1-related condition.
Inborn genetic diseases. Identifiers: MedGen C0950123, MeSH D030342.
Cataract 33. Also called: CATARACT 33, CORTICAL. Identifiers: Orphanet 91492, MedGen C3808107, MONDO:0012665, OMIM 611391.

Allele frequency attached by ClinVar (database versions not stated): gnomAD exomes 0.00003; gnomAD 0.00044; TOPMed 0.00056.

Submissions (4):

Ambry Genetics
Classification: Uncertain significance for Inborn genetic diseases. Last evaluated: 2025-04-13. Review status: criteria provided, single submitter. Criteria: Ambry Variant Classification Scheme 2023. Collection method: clinical testing. Allele origin: germline.

GeneDx
Classification: Uncertain significance. Last evaluated: 2024-11-20. Review status: criteria provided, single submitter. Criteria: GeneDx Variant Classification Process June 2021. Collection method: clinical testing. Allele origin: germline. Affected: yes.
Comment: In silico analysis indicates that this missense variant does not alter protein structure/function; Has not been previously published as pathogenic or benign to our knowledge

Labcorp Genetics (formerly Invitae), Labcorp
Classification: Uncertain significance for Cataract 33. Last evaluated: 2024-07-12. Review status: criteria provided, single submitter. Criteria: Invitae Variant Classification Sherloc (09022015). Collection method: clinical testing. Allele origin: germline.
Comment: This sequence change replaces leucine, which is neutral and non-polar, with phenylalanine, which is neutral and non-polar, at codon 68 of the BFSP1 protein (p.Leu68Phe). The frequency data for this variant in the population databases is considered unreliable, as metrics indicate poor data quality at this position in the gnomAD database. This variant has not been reported in the literature in individuals affected with BFSP1-related conditions. ClinVar contains an entry for this variant (Variation ID: 2457289). Advanced modeling of protein sequence and biophysical properties (such as structural, functional, and spatial information, amino acid conservation, physicochemical variation, residue mobility, and thermodynamic stability) performed at Invitae indicates that this missense variant is not expected to disrupt BFSP1 protein function with a negative predictive value of 80%. In summary, the available evidence is currently insufficient to determine the role of this variant in disease. Therefore, it has been classified as a Variant of Uncertain Significance.

PreventionGenetics, part of Exact Sciences
Classification: Likely benign for BFSP1-related condition. Last evaluated: 2023-04-18. Review status: no assertion criteria provided. Collection method: clinical testing. Allele origin: germline. Not counted in ClinVar's aggregate classification.
Comment: This variant is classified as likely benign based on ACMG/AMP sequence variant interpretation guidelines (Richards et al. 2015 PMID: 25741868, with internal and published modifications).